The following is an entry in ClinVar:

ClinVar aggregate classification (germline): Conflicting classifications of pathogenicity. Review status: criteria provided, conflicting classifications (1 of 4 stars). 2 submissions from 2 submitters: Uncertain significance (1); Likely benign (1). Last evaluated 2023-12-08.

Conditions:
EPCAM-related disorder. Also called: EPCAM-related condition.
Hereditary cancer-predisposing syndrome. Also called: Hereditary Cancer Syndrome; Hereditary neoplastic syndrome; Neoplastic Syndromes, Hereditary; Tumor predisposition. Identifiers: Orphanet 140162, MedGen C0027672, MeSH D009386, MONDO:0015356.

Allele frequency attached by ClinVar (database versions not stated): gnomAD exomes 0.00001; ExAC 0.00005; TOPMed 0.00010; gnomAD 0.00011; ESP Exome Variant Server 0.00015; 1000 Genomes Project 0.00020; 1000 Genomes Project 30x 0.00031.
gnomAD v4.1: 33 of 1,612,924 alleles (0.002%); highest among the groups gnomAD compares: African/African-American, 0.041%; no homozygotes.

Submissions (2):

Ambry Genetics
Classification: Likely benign for Hereditary cancer-predisposing syndrome. Last evaluated: 2023-12-08. Review status: criteria provided, single submitter. Criteria: Ambry Variant Classification Scheme 2023. Collection method: clinical testing. Allele origin: germline.

PreventionGenetics, part of Exact Sciences
Classification: Uncertain significance for EPCAM-related condition. Last evaluated: 2022-09-27. Review status: criteria provided, single submitter. Criteria: ACMG Guidelines, 2015. Collection method: clinical testing. Allele origin: germline.
Comment: The EPCAM c.103G>A variant is predicted to result in the amino acid substitution p.Ala35Thr. To our knowledge, this variant has not been reported in the literature. This variant is reported in 0.044% of alleles in individuals of African descent in gnomAD. At this time, the clinical significance of this variant is uncertain due to the absence of conclusive functional and genetic evidence.

NM_002354.3(EPCAM):c.103G>A (p.Ala35Thr)

Gene: EPCAM (epithelial cell adhesion molecule; plus strand). Cytogenetic location: 2p21.
Variant type: single nucleotide variant.
Coding change: c.103G>A on transcript NM_002354.3 (MANE Select); coding-DNA position 103, G replaced by A.
Protein change: p.Ala35Thr; replaces alanine 35 with threonine.
Molecular consequence: missense variant.
Genome position (GRCh38, 1-based): chr2:47,373,489, G>A. VCF-style: chr2-47373489-G-A. GRCh37 (hg19) VCF-style: chr2-47600628-G-A.
Other names: short protein forms A35T.
Identifiers: ClinVar variation 1773743 (VCV001773743.3), dbSNP rs141751351, ClinGen allele CA1648875.